The following is an entry in ClinVar:

ClinVar aggregate classification (germline): Uncertain significance (1 of 4 stars; one submission).

Submission:

Labcorp Genetics (formerly Invitae), Labcorp
Classification: Uncertain significance. Last evaluated: 2022-08-31. Review status: criteria provided, single submitter. Criteria: Invitae Variant Classification Sherloc (09022015). Collection method: clinical testing. Allele origin: germline.
Comment: A copy number gain of the genomic region encompassing the full coding sequence of the FGF12 gene has been identified. The boundaries of this event are unknown as they extend beyond the assayed region for this gene and therefore may encompass additional genes. As the precise location of this event is unknown, it may be in tandem or it may be located elsewhere in the genome. This variant has not been reported in the literature in individuals affected with FGF12-related conditions. In summary, the available evidence is currently insufficient to determine the role of this variant in disease. Therefore, it has been classified as a Variant of Uncertain Significance.

NC_000003.11:g.(?_189455509)_(192126012_?)dup

Genes: CCDC50 (coiled-coil domain containing 50; plus strand), CLDN1 (claudin 1; minus strand), CLDN16 (claudin 16; plus strand), FGF12 (fibroblast growth factor 12; minus strand), GMNC (geminin coiled-coil domain containing; minus strand) and 7 more. Cytogenetic location: 3q28.
Variant type: Duplication.
Identifiers: ClinVar variation 2426654 (VCV002426654.3).